The following is an entry in ClinVar:

ClinVar aggregate classification (germline): Likely benign. Review status: criteria provided, multiple submitters, no conflicts (2 of 4 stars). 2 submissions from 2 submitters: Likely benign (2). Last evaluated 2024-06-14.

Conditions:
Familial cancer of breast. Also called: Hereditary breast cancer; hereditary breast carcinoma; BREAST CANCER, FAMILIAL. Identifiers: Orphanet 227535, MedGen C0346153, MONDO:0016419, OMIM 114480. Disease mechanism: loss of function.
Ataxia-telangiectasia syndrome (AT). Also called: Ataxia telangiectasia (A-T); ATAXIA-TELANGIECTASIA, COMPLEMENTATION GROUP A; ATAXIA-TELANGIECTASIA, FRESNO VARIANT; Ataxia-telangiectasia; Ataxia-telangiectasia, complementation group E; LOUIS-BAR SYNDROME. Identifiers: Orphanet 100, MedGen C0004135, MONDO:0008840, OMIM 208900.

Submissions (2):

Myriad Genetics, Inc.
Classification: Likely benign for Familial cancer of breast. Last evaluated: 2024-06-14. Review status: criteria provided, single submitter. Criteria: Myriad Autosomal Dominant, Autosomal Recessive and X-Linked Classification Criteria (2023). Collection method: clinical testing. Allele origin: unknown.
Comment: This variant is considered likely benign. This variant is intronic and is not expected to impact mRNA splicing.

Labcorp Genetics (formerly Invitae), Labcorp
Classification: Likely benign for Ataxia-telangiectasia syndrome. Last evaluated: 2023-07-10. Review status: criteria provided, single submitter. Criteria: Invitae Variant Classification Sherloc (09022015). Collection method: clinical testing. Allele origin: germline.

NM_000051.4(ATM):c.7515+7G>A

Genes: ATM (ATM serine/threonine kinase; plus strand), C11orf65 (chromosome 11 open reading frame 65; minus strand). Cytogenetic location: 11q22.3.
Variant type: single nucleotide variant.
Coding change: c.7515+7G>A on transcript NM_000051.4 (MANE Select); 7 bases into the intron after coding-DNA position 7515, G replaced by A.
Molecular consequence: intron variant.
Genome position (GRCh38, 1-based): chr11:108,330,428, G>A. VCF-style: chr11-108330428-G-A. GRCh37 (hg19) VCF-style: chr11-108201155-G-A.
Other names: c.7515+7G>A (NM_001351834.2); c.641-21357C>T (NM_001330368.2); c.*38+4792C>T (NM_001351110.2).
Identifiers: ClinVar variation 1096797 (VCV001096797.10), dbSNP rs2136465577, ClinGen allele CA2499220710.